The following is an entry in ClinVar:

NM_017739.4(POMGNT1):c.926G>A (p.Gly309Glu)

Genes: POMGNT1 (protein O-linked mannose N-acetylglucosaminyltransferase 1 (beta 1,2-); minus strand), TSPAN1 (tetraspanin 1; plus strand). Cytogenetic location: 1p34.1.
Variant type: single nucleotide variant.
Coding change: c.926G>A on transcript NM_017739.4 (MANE Select); coding-DNA position 926, G replaced by A.
Protein change: p.Gly309Glu; replaces glycine 309 with glutamic acid.
Molecular consequence: missense variant.
Genome position (GRCh38, 1-based): chr1:46,193,879, C>T on the plus strand (G>A on the coding strand, the complement: POMGNT1 is on the minus strand). VCF-style: chr1-46193879-C-T. GRCh37 (hg19) VCF-style: chr1-46659551-C-T.
Other names: c.926G>A, p.Gly309Glu (NM_001243766.2, NM_001410783.1); c.860G>A, p.Gly287Glu (NM_001290129.3); c.497G>A, p.Gly166Glu (NM_001290130.2); short protein forms G309E, G166E, G287E.
Identifiers: ClinVar variation 848264 (VCV000848264.5), dbSNP rs752124301, ClinGen allele CA833569.

ClinVar aggregate classification (germline): Uncertain significance. Review status: criteria provided, single submitter (1 of 4 stars). 2 submissions from 2 submitters: Uncertain significance (1). 1 of the submissions does not count toward it. Last evaluated 2022-10-13.

Conditions:
Autosomal recessive limb-girdle muscular dystrophy type 2O. Also called: MUSCULAR DYSTROPHY-DYSTROGLYCANOPATHY (LIMB-GIRDLE), TYPE C, 3; MUSCULAR DYSTROPHY-DYSTROGLYCANOPATHY, LIMB-GIRDLE, POMGNT1-RELATED; Limb-Girdle Muscular Dystrophy Type 3C. Identifiers: Orphanet 206564, MedGen C3150417, MONDO:0013161, OMIM 613157.
Muscular dystrophy-dystroglycanopathy (congenital with impaired intellectual development), type B, 3. Also called: MUSCULAR DYSTROPHY, CONGENITAL, POMGNT1-RELATED; Muscular dystrophy-dystroglycanopathy (congenital with intellectual disability), type B3. Identifiers: MedGen C3150412, MONDO:0013155, OMIM 613151.
Muscle eye brain disease (MEB). Also called: Santavuori congenital muscular dystrophy. Identifiers: Orphanet 588, Orphanet 899, MedGen C0457133, MONDO:0018939.

Allele frequency attached by ClinVar (database versions not stated): gnomAD 0.00002 and 0.00001; gnomAD exomes 0.00002 and 0.00006; TOPMed 0.00004; ExAC 0.00001.
gnomAD v4.1: 95 of 1,614,012 alleles (0.0059%); highest among the groups gnomAD compares: Non-Finnish European, 0.007%; no homozygotes.

Submissions (2):

Labcorp Genetics (formerly Invitae), Labcorp
Classification: Uncertain significance for Autosomal recessive limb-girdle muscular dystrophy type 2O; Muscular dystrophy-dystroglycanopathy (congenital with impaired intellectual development), type B, 3. Last evaluated: 2022-10-13. Review status: criteria provided, single submitter. Criteria: Invitae Variant Classification Sherloc (09022015). Collection method: clinical testing. Allele origin: germline.
Comment: This sequence change replaces glycine, which is neutral and non-polar, with glutamic acid, which is acidic and polar, at codon 309 of the POMGNT1 protein (p.Gly309Glu). This variant is present in population databases (rs752124301, gnomAD 0.004%). This variant has not been reported in the literature in individuals affected with POMGNT1-related conditions. ClinVar contains an entry for this variant (Variation ID: 848264). Advanced modeling of protein sequence and biophysical properties (such as structural, functional, and spatial information, amino acid conservation, physicochemical variation, residue mobility, and thermodynamic stability) performed at Invitae indicates that this missense variant is not expected to disrupt POMGNT1 protein function. In summary, the available evidence is currently insufficient to determine the role of this variant in disease. Therefore, it has been classified as a Variant of Uncertain Significance.

Natera, Inc.
Classification: Uncertain significance for Muscle-eye-brain disease. Last evaluated: 2020-01-12. Review status: no assertion criteria provided. Collection method: clinical testing. Allele origin: germline. Not counted in ClinVar's aggregate classification.